The following is an entry in ClinVar:

NM_004468.5(FHL3):c.309T>C (p.Ala103=)

Gene: FHL3 (four and a half LIM domains 3; minus strand). Cytogenetic location: 1p34.3.
Variant type: single nucleotide variant.
Coding change: c.309T>C on transcript NM_004468.5 (MANE Select); coding-DNA position 309, T replaced by C.
Protein change: p.Ala103=; no amino-acid change (alanine 103 retained).
Molecular consequence: synonymous variant. On other transcripts: 5 prime UTR variant (1).
Genome position (GRCh38, 1-based): chr1:37,998,996, A>G on the plus strand (T>C on the coding strand, the complement: FHL3 is on the minus strand). VCF-style: chr1-37998996-A-G. GRCh37 (hg19) VCF-style: chr1-38464668-A-G.
Other names: c.-16T>C (NM_001243878.2).
Identifiers: ClinVar variation 2638685 (VCV002638685.24), dbSNP rs143218143, ClinGen allele CA777155.

ClinVar aggregate classification (germline): Likely benign (1 of 4 stars; one submission).

Allele frequency attached by ClinVar (database versions not stated): ESP Exome Variant Server 0.00031; gnomAD 0.00033; 1000 Genomes Project 30x 0.00094; ExAC 0.00096; 1000 Genomes Project 0.00120.

Submission:

CeGaT Center for Human Genetics Tuebingen
Classification: Likely benign. Last evaluated: 2022-03-01. Review status: criteria provided, single submitter. Criteria: CeGaT Center For Human Genetics Tuebingen Variant Classification Criteria Version 2. Collection method: clinical testing. Allele origin: germline. Affected: yes. Observed: 1 variant allele.
Comment: FHL3: BP4, BP7